The following is an entry in ClinVar:

NM_153700.2(STRC):c.3965T>C (p.Leu1322Pro)

Gene: STRC (stereocilin; minus strand). Cytogenetic location: 15q15.3.
Variant type: single nucleotide variant.
Coding change: c.3965T>C on transcript NM_153700.2 (MANE Select); coding-DNA position 3965, T replaced by C.
Protein change: p.Leu1322Pro; replaces leucine 1322 with proline.
Molecular consequence: missense variant.
Genome position (GRCh38, 1-based): chr15:43,604,812, A>G on the plus strand (T>C on the coding strand, the complement: STRC is on the minus strand). VCF-style: chr15-43604812-A-G. GRCh37 (hg19) VCF-style: chr15-43897010-A-G.
Other names: short protein forms L1322P.
Identifiers: ClinVar variation 5019608 (VCV005019608.2).

ClinVar aggregate classification (germline): Uncertain significance (1 of 4 stars; one submission).

Conditions:
Autosomal recessive nonsyndromic hearing loss 16. Also called: DFNB16 Nonsyndromic Hearing Loss and Deafness; DEAFNESS, AUTOSOMAL RECESSIVE 16. Identifiers: Orphanet 90636, MedGen C1863561, MONDO:0011364, OMIM 603720.

gnomAD v4.1: 2 of 1,612,904 alleles (0.00012%); highest among the groups gnomAD compares: East Asian, 0.0045%; no homozygotes.

Submission:

Juno Genomics, Hangzhou Juno Genomics, Inc
Classification: Uncertain significance for Autosomal recessive nonsyndromic hearing loss 16. Review status: criteria provided, single submitter. Criteria: ACMG Guidelines, 2015. Collection method: clinical testing. Allele origin: germline.
Comment: Absent from controls (or at extremely low frequency if recessive) in Genome Aggregation Database.;Multiple lines of computational evidence support a deleterious effect on the gene or gene product.